The following is an entry in ClinVar:

NM_000135.4(FANCA):c.1534del (p.Ser512fs)

Gene: FANCA (FA complementation group A; minus strand). Cytogenetic location: 16q24.3.
Variant type: Deletion.
Coding change: c.1534del on transcript NM_000135.4 (MANE Select); coding-DNA position 1534, one base deleted (T; older notation c.1534delT).
Protein change: p.Ser512fs; shifts the reading frame from serine 512.
Molecular consequence: frameshift variant.
Genome position (GRCh38, 1-based): chr16:89,783,039, A deleted on the plus strand (T on the coding strand, the reverse complement: FANCA is on the minus strand). VCF-style (leftmost placement, unchanged base first): chr16-89783038-GA-G. GRCh37 (hg19) VCF-style: chr16-89849446-GA-G.
Other names: c.1534del, p.Ser512fs (NM_001286167.3); short protein forms S512fs.
Identifiers: ClinVar variation 2734483 (VCV002734483.3), dbSNP rs2544243485, ClinGen allele CA2697556079.
Genomic context (GRCh38, chr16:89,783,038, plus strand): 5'-TGAGGAGTGGGCATGGAGGGACAGCTTGCCTTGAGGTCGGCCAGCCGTGTCTTGGCCAAT[GA>G]GATGTAGTCTGTGAGGAGGGAGCGGTACTTGCCGGGAACCAGGGGTGGGTGGAGAATGTG-3'

ClinVar aggregate classification (germline): Pathogenic (1 of 4 stars; one submission).

Conditions:
Fanconi anemia (FA). Also called: Fanconi's anemia. Identifiers: Orphanet 84, MedGen C0015625, MeSH D005199, MONDO:0019391.

Submission:

Labcorp Genetics (formerly Invitae), Labcorp
Classification: Pathogenic for Fanconi anemia. Last evaluated: 2023-07-01. Review status: criteria provided, single submitter. Criteria: Invitae Variant Classification Sherloc (09022015). Collection method: clinical testing. Allele origin: germline.
Comment: This sequence change creates a premature translational stop signal (p.Ser512Hisfs*14) in the FANCA gene. It is expected to result in an absent or disrupted protein product. Loss-of-function variants in FANCA are known to be pathogenic (PMID: 19367192). This variant is not present in population databases (gnomAD no frequency). This variant has not been reported in the literature in individuals affected with FANCA-related conditions. For these reasons, this variant has been classified as Pathogenic.

Literature cited by the submitters: PubMed 19367192.